The following is an entry in ClinVar:

NM_001127222.2(CACNA1A):c.3844G>C (p.Val1282Leu)

Gene: CACNA1A (calcium voltage-gated channel subunit alpha1 A; minus strand). Cytogenetic location: 19p13.13.
Variant type: single nucleotide variant.
Coding change: c.3844G>C on transcript NM_001127222.2 (MANE Select); coding-DNA position 3844, G replaced by C.
Protein change: p.Val1282Leu; replaces valine 1282 with leucine.
Molecular consequence: missense variant.
Genome position (GRCh38, 1-based): chr19:13,277,107, C>G on the plus strand (G>C on the coding strand, the complement: CACNA1A is on the minus strand). VCF-style: chr19-13277107-C-G. GRCh37 (hg19) VCF-style: chr19-13387921-C-G.
Other names: c.3847G>C, p.Val1283Leu (NM_001174080.2, NM_001127221.2); c.3856G>C, p.Val1286Leu (NM_023035.3, NM_000068.4); short protein forms V1282L, V1283L, V1286L.
Identifiers: ClinVar variation 2938089 (VCV002938089.3), dbSNP rs768437763, ClinGen allele CA404340465.

ClinVar aggregate classification (germline): Uncertain significance (1 of 4 stars; one submission).

Conditions:
Episodic ataxia type 2 (EA2). Also called: CEREBELLAR ATAXIA, PAROXYSMAL, ACETAZOLAMIDE-RESPONSIVE; CEREBELLOPATHY, HEREDITARY PAROXYSMAL; EPISODIC ATAXIA, NYSTAGMUS-ASSOCIATED; ACETAZOLAMIDE-RESPONSIVE HEREDITARY PAROXYSMAL CEREBELLAR ATAXIA; ATAXIA, EPISODIC, WITH NYSTAGMUS; ATAXIA, FAMILIAL PAROXYSMAL. Identifiers: Orphanet 97, MedGen C1720416, MONDO:0007163, OMIM 108500.
Developmental and epileptic encephalopathy, 42 (DEE42A). Also called: Epileptic encephalopathy, early infantile, 42; DEVELOPMENTAL AND EPILEPTIC ENCEPHALOPATHY 42A; EPILEPTIC ENCEPHALOPATHY, EARLY INFANTILE, 42A. Identifiers: MedGen C4310716, MONDO:0014917, OMIM 617106.

gnomAD v4.1: 2 of 1,612,396 alleles (0.00012%); highest among the groups gnomAD compares: East Asian, 0.0022%; no homozygotes.

Submission:

Labcorp Genetics (formerly Invitae), Labcorp
Classification: Uncertain significance for Developmental and epileptic encephalopathy, 42; Episodic ataxia type 2. Last evaluated: 2023-05-04. Review status: criteria provided, single submitter. Criteria: Invitae Variant Classification Sherloc (09022015). Collection method: clinical testing. Allele origin: germline.
Comment: This sequence change replaces valine, which is neutral and non-polar, with leucine, which is neutral and non-polar, at codon 1283 of the CACNA1A protein (p.Val1283Leu). This variant is not present in population databases (gnomAD no frequency). In summary, the available evidence is currently insufficient to determine the role of this variant in disease. Therefore, it has been classified as a Variant of Uncertain Significance. Advanced modeling of protein sequence and biophysical properties (such as structural, functional, and spatial information, amino acid conservation, physicochemical variation, residue mobility, and thermodynamic stability) has been performed at Invitae for this missense variant, however the output from this modeling did not meet the statistical confidence thresholds required to predict the impact of this variant on CACNA1A protein function. This variant has not been reported in the literature in individuals affected with CACNA1A-related conditions.